The following is an entry in ClinVar:

ClinVar aggregate classification (germline): Pathogenic. Review status: criteria provided, multiple submitters, no conflicts (2 of 4 stars). 2 submissions from 2 submitters: Pathogenic (2). Last evaluated 2025-06-16.

Conditions:
Hereditary diffuse gastric adenocarcinoma (HDGC). Also called: DIFFUSE GASTRIC AND LOBULAR BREAST CANCER SYNDROME. Identifiers: Orphanet 26106, MedGen C1708349, MONDO:0007648, OMIM 137215.
Hereditary cancer-predisposing syndrome. Also called: Tumor predisposition; Hereditary Cancer Syndrome; Hereditary neoplastic syndrome; Neoplastic Syndromes, Hereditary. Identifiers: Orphanet 140162, MedGen C0027672, MeSH D009386, MONDO:0015356.

Submissions (2):

Ambry Genetics
Classification: Pathogenic for Hereditary cancer-predisposing syndrome. Last evaluated: 2025-06-16. Review status: criteria provided, single submitter. Criteria: Ambry Variant Classification Scheme 2023. Collection method: clinical testing. Allele origin: germline.
Comment: The c.1904_1905delCT pathogenic mutation, located in coding exon 13 of the CTNNA1 gene, results from a deletion of two nucleotides at nucleotide positions 1904 to 1905, causing a translational frameshift with a predicted alternate stop codon (p.P635Rfs*5). This variant is considered to be rare based on population cohorts in the Genome Aggregation Database (gnomAD). This alteration is expected to result in loss of function by premature protein truncation or nonsense-mediated mRNA decay. As such, this alteration is interpreted as a disease-causing mutation.

Myriad Genetics, Inc.
Classification: Pathogenic for Hereditary diffuse gastric adenocarcinoma. Last evaluated: 2023-12-28. Review status: criteria provided, single submitter. Criteria: Myriad Autosomal Dominant, Autosomal Recessive and X-Linked Classification Criteria (2023). Collection method: clinical testing. Allele origin: unknown.
Comment: This variant is considered pathogenic. This variant creates a frameshift predicted to result in premature protein truncation.

NM_001903.5(CTNNA1):c.1904_1905del (p.Pro635fs)

Gene: CTNNA1 (catenin alpha 1; plus strand). Cytogenetic location: 5q31.2.
Variant type: Deletion.
Coding change: c.1904_1905del on transcript NM_001903.5 (MANE Select); coding-DNA positions 1904 to 1905, 2 bases deleted (CT; older notation c.1904_1905delCT).
Protein change: p.Pro635fs; shifts the reading frame from proline 635.
Molecular consequence: frameshift variant.
Genome position (GRCh38, 1-based): chr5:138,929,250-138,929,251, CT deleted. VCF-style (leftmost placement, unchanged base first): chr5-138929249-CCT-C. GRCh37 (hg19) VCF-style: chr5-138264938-CCT-C.
Other names: c.1904_1905delCT (NM_001903.2); c.1811_1812del, p.Pro604fs (NM_001323986.2); c.794_795del, p.Pro265fs (NM_001323987.1, NM_001323988.1, NM_001323989.1 and 17 more transcripts); c.1904_1905del, p.Pro635fs (NM_001290307.3, NM_001323982.2, NM_001323983.1 and 2 more transcripts); c.1595_1596del, p.Pro532fs (NM_001290309.3); c.1535_1536del, p.Pro512fs (NM_001290310.3); c.455_456del, p.Pro152fs (NM_001324006.1, NM_001324007.1, NM_001324008.1 and 2 more transcripts); c.701_702del, p.Pro234fs (NM_001324011.1); and 1 more; short protein forms P532fs, P152fs, P265fs, P604fs, P184fs, P234fs, P512fs, P635fs.
Identifiers: ClinVar variation 3148663 (VCV003148663.2), dbSNP rs2533819466, ClinGen allele CA2825001397.
Genomic context (GRCh38, chr5:138,929,249, plus strand): 5'-GCTGGGGGCTGGTGGCCCAGAGATGTGTCTGACCTGTGATCTTTGTCTGGGTGGCAGACC[CCT>C]GAGGAGTTGGATGACTCTGACTTTGAGACAGAAGATTTTGATGTCAGAAGCAGGACGAGC-3'